The following is an entry in ClinVar:

NM_001035.3(RYR2):c.13284_13286dup (p.Lys4429_Glu4430insLys)

Gene: RYR2 (ryanodine receptor 2; plus strand). Cytogenetic location: 1q43.
Variant type: Duplication.
Coding change: c.13284_13286dup on transcript NM_001035.3 (MANE Select); coding-DNA positions 13284 to 13286, 3 bases duplicated (AAA; older notation c.13284_13286dupAAA).
Protein change: p.Lys4429_Glu4430insLys.
Molecular consequence: inframe insertion.
Genome position (GRCh38, 1-based): chr1:237,785,992-237,785,994, AAA duplicated; duplicating any 3 consecutive bases within chr1:237,785,991-237,785,994 gives the same sequence; the c. name uses the placement nearest the transcript's 3' end. VCF-style (leftmost placement, unchanged base first): chr1-237785990-G-GAAA. GRCh37 (hg19) VCF-style: chr1-237949290-G-GAAA.
Identifiers: ClinVar variation 2568277 (VCV002568277.2), dbSNP rs1178242375, ClinGen allele CA529564353.

ClinVar aggregate classification (germline): Uncertain significance (1 of 4 stars; one submission).

Conditions:
Cardiovascular phenotype. Identifiers: MedGen CN230736.

Submission:

Ambry Genetics
Classification: Uncertain significance for Cardiovascular phenotype. Last evaluated: 2023-06-06. Review status: criteria provided, single submitter. Criteria: Ambry Variant Classification Scheme 2023. Collection method: clinical testing. Allele origin: germline.
Comment: The c.13284_13286dupAAA variant (also known as p.K4429dup), located in coding exon 91 of the RYR2 gene, results from an in-frame duplication of AAA at nucleotide positions 13284 to 13286. This results in the duplication of an extra residue between codons 4429 and 4430. This amino acid position is highly conserved in available vertebrate species. In addition, this alteration is predicted to be neutral by in silico analysis (Choi Y et al. PLoS ONE. 2012; 7(10):e46688). Since supporting evidence is limited at this time, the clinical significance of this alteration remains unclear.